The following is an entry in ClinVar:

NM_001278064.2(GRM1):c.480C>G (p.Ile160Met)

Gene: GRM1 (glutamate metabotropic receptor 1; plus strand). Cytogenetic location: 6q24.3.
Variant type: single nucleotide variant.
Coding change: c.480C>G on transcript NM_001278064.2 (MANE Select); coding-DNA position 480, C replaced by G.
Protein change: p.Ile160Met; replaces isoleucine 160 with methionine.
Molecular consequence: missense variant.
Genome position (GRCh38, 1-based): chr6:146,029,997, C>G. VCF-style: chr6-146029997-C-G. GRCh37 (hg19) VCF-style: chr6-146351133-C-G.
Other names: c.480C>G, p.Ile160Met (NM_001278065.2, NM_001278066.1, NM_001278067.1); short protein forms I160M.
Identifiers: ClinVar variation 3571705 (VCV003571705.1).
Genomic context (GRCh38, chr6:146,029,997, plus strand): 5'-TCTGCCTGACGGCCAGTCCCTCCCCCCAGGCAGGACTAAGAAGCCCATTGCGGGAGTGAT[C>G]GGTCCCGGCTCCAGCTCTGTAGCCATTCAAGTGCAGAACCTGCTCCAGCTCTTCGACATC-3'
Protein context (NP_001264993.1, residues 150-170): GRTKKPIAGV[Ile160Met]GPGSSSVAIQ

ClinVar aggregate classification (germline): Uncertain significance (1 of 4 stars; one submission).

Submission:

Athena Diagnostics
Classification: Uncertain significance. Last evaluated: 2024-06-14. Review status: criteria provided, single submitter. Criteria: Athena Diagnostics Criteria. Collection method: clinical testing. Allele origin: unknown.
Comment: Available data are insufficient to determine the clinical significance of the variant at this time. This variant has not been reported in large, multi-ethnic general populations. Polyphen and MutationTaster predict this amino acid change may be damaging to the protein.